The following is an entry in ClinVar:

ClinVar aggregate classification (germline): Uncertain significance. Review status: criteria provided, multiple submitters, no conflicts (2 of 4 stars). 2 submissions from 2 submitters: Uncertain significance (2). Last evaluated 2025-12-31.

Conditions:
NRP2-related disorder. Also called: NRP2-related condition.

Allele frequency attached by ClinVar (database versions not stated): gnomAD exomes 0.00002; ExAC 0.00006; ESP Exome Variant Server 0.00008; gnomAD 0.00021; TOPMed 0.00025.
gnomAD v4.1: 58 of 1,614,036 alleles (0.0036%); highest among the groups gnomAD compares: African/African-American, 0.069%; no homozygotes.

Submissions (2):

PreventionGenetics, part of Exact Sciences
Classification: Uncertain significance for NRP2-related condition. Last evaluated: 2025-12-31. Review status: criteria provided, single submitter. Criteria: ACMG Guidelines, 2015. Collection method: clinical testing. Allele origin: germline.
Comment: The NRP2 c.905G>A variant is predicted to result in the amino acid substitution p.Gly302Glu. To our knowledge, this variant has not been reported in the literature. This variant is reported in 0.084% of alleles in individuals of African descent in gnomAD, which may be too common to be a primary cause of disease. Although we suspect that this variant is benign, at this time, the clinical significance of this variant is uncertain due to the absence of conclusive functional and genetic evidence.

Ambry Genetics
Classification: Uncertain significance. Last evaluated: 2024-03-11. Review status: criteria provided, single submitter. Criteria: Ambry Variant Classification Scheme 2023. Collection method: clinical testing. Allele origin: germline.

NM_003872.3(NRP2):c.905G>A (p.Gly302Glu)

Gene: NRP2 (neuropilin 2; plus strand). Cytogenetic location: 2q33.3.
Variant type: single nucleotide variant.
Coding change: c.905G>A on transcript NM_003872.3 (MANE Select); coding-DNA position 905, G replaced by A.
Protein change: p.Gly302Glu; replaces glycine 302 with glutamic acid.
Molecular consequence: missense variant.
Genome position (GRCh38, 1-based): chr2:205,725,997, G>A. VCF-style: chr2-205725997-G-A. GRCh37 (hg19) VCF-style: chr2-206590721-G-A.
Other names: c.905G>A, p.Gly302Glu (NM_018534.4, NM_201264.2, NM_201266.2 and 2 more transcripts); short protein forms G302E.
Identifiers: ClinVar variation 2402877 (VCV002402877.5), dbSNP rs369347008, ClinGen allele CA2068955.